The following is an entry in ClinVar:

ClinVar aggregate classification (germline): Likely benign (0 of 4 stars; one submission).

Conditions:
SHH-related disorder. Also called: SHH-related condition; SHH-related disorders.

Allele frequency attached by ClinVar (database versions not stated): gnomAD 0.00001; TOPMed 0.00001.
gnomAD v4.1: 2 of 152,192 alleles (0.0013%); highest among the groups gnomAD compares: African/African-American, 0.0024%; no homozygotes.

Submission:

PreventionGenetics, part of Exact Sciences
Classification: Likely benign for SHH-related condition. Last evaluated: 2023-04-10. Review status: no assertion criteria provided. Collection method: clinical testing. Allele origin: germline.
Comment: This variant is classified as likely benign based on ACMG/AMP sequence variant interpretation guidelines (Richards et al. 2015 PMID: 25741868, with internal and published modifications).

NC_000007.14:g.156792767C>A

Genes: LMBR1 (limb development membrane protein 1; minus strand), SHH (sonic hedgehog signaling molecule; minus strand), ZRS (ZPA regulatory sequence; plus strand). Cytogenetic location: 7q36.3.
Variant type: single nucleotide variant.
Molecular consequence: intron variant (on NM_022458.4).
Genome position: GRCh38 VCF-style: chr7-156792767-C-A. GRCh37 (hg19) VCF-style: chr7-156585461-C-A.
Other names: c.360+3622G>T (NM_001363412.2); c.144+3622G>T (NM_001350954.2); c.423+3622G>T (NM_001363410.2, NM_022458.4, NM_001363409.2 and 1 more transcripts); c.-112+3622G>T (NM_001350958.2, NM_001350956.2, NM_001350955.2 and 1 more transcripts); c.54+3622G>T (NM_001350957.2, NM_001363411.2).
Identifiers: ClinVar variation 3029279 (VCV003029279.2), dbSNP rs1417509032, ClinGen allele CA579061821.